The following is an entry in ClinVar:

NM_014714.4(IFT140):c.368_369+7del

Genes: IFT140 (intraflagellar transport 140; minus strand), LOC105371046 (uncharacterized LOC105371046; plus strand). Cytogenetic location: 16p13.3.
Variant type: Deletion.
Coding change: c.368_369+7del on transcript NM_014714.4 (MANE Select); coding-DNA position 368 through 7 bases into the intron after coding-DNA position 369, 9 bases deleted (GGGTGAGTC; older notation c.368_369+7delGGGTGAGTC).
Molecular consequence: splice donor variant.
Genome position (GRCh38, 1-based): chr16:1,602,363-1,602,371, GACTCACCC deleted on the plus strand (GGGTGAGTC on the coding strand, the reverse complement: IFT140 is on the minus strand). VCF-style (leftmost placement, unchanged base first): chr16-1602362-TGACTCACCC-T. GRCh37 (hg19) VCF-style: chr16-1652363-TGACTCACCC-T.
Identifiers: ClinVar variation 5038203 (VCV005038203.1).
Genomic context (GRCh38, chr16:1,602,362, plus strand): 5'-TTCATACTCTCGAGCATGGTCAGAAAGGGTCAAGGTCTGAAAACAGCGTCTTGCGCGTGT[TGACTCACCC>T]TGTCCCCAGACAGCAGGCAGTTTCCACTGGGGCTCCAACGGAGCACGGTGATGTCGGCTG-3'

ClinVar aggregate classification (germline): Likely pathogenic (1 of 4 stars; one submission).

Conditions:
Polycystic kidney disease 9, susceptibility to. Identifiers: MedGen C6012712, MONDO:0976267, OMIM 621164.

Submission:

MVZ Medizinische Genetik Mainz
Classification: Likely pathogenic for Polycystic kidney disease 9, susceptibility to. Last evaluated: 2025-06-26. Review status: criteria provided, single submitter. Criteria: UK Practice Guidelines For Variant Classification V4 01 2020. Collection method: clinical testing. Allele origin: germline. Inheritance: Autosomal dominant inheritance. Affected: yes. Observed: 1 variant allele.
Comment: ACMG Criteria: PVS1,PM2_SUP